The following is an entry in ClinVar:

NM_002474.3(MYH11):c.1326A>G (p.Lys442=)

Gene: MYH11 (myosin heavy chain 11; minus strand). Cytogenetic location: 16p13.11.
Variant type: single nucleotide variant.
Coding change: c.1326A>G on transcript NM_002474.3 (MANE Select); coding-DNA position 1326, A replaced by G.
Protein change: p.Lys442=; no amino-acid change (lysine 442 retained).
Molecular consequence: synonymous variant.
Genome position (GRCh38, 1-based): chr16:15,759,651, T>C on the plus strand (A>G on the coding strand, the complement: MYH11 is on the minus strand). VCF-style: chr16-15759651-T-C. GRCh37 (hg19) VCF-style: chr16-15853508-T-C.
Other names: c.1347A>G, p.Lys449= (NM_001040113.2, NM_001040114.2); c.1326A>G, p.Lys442= (NM_022844.3).
Identifiers: ClinVar variation 378199 (VCV000378199.1), dbSNP rs1057520330, ClinGen allele CA16607252.

ClinVar aggregate classification (germline): Likely benign (1 of 4 stars; one submission).

Allele frequency attached by ClinVar (database versions not stated): gnomAD exomes below 0.00001.
gnomAD v4.1: 6 of 1,614,190 alleles (0.00037%); highest among the groups gnomAD compares: Non-Finnish European, 0.00051%; no homozygotes.

Submission:

GeneDx
Classification: Likely benign. Last evaluated: 2016-08-08. Review status: criteria provided, single submitter. Criteria: GeneDx Variant Classification (06012015). Collection method: clinical testing. Allele origin: germline. Affected: yes.
Comment: This variant is considered likely benign or benign based on one or more of the following criteria: it is a conservative change, it occurs at a poorly conserved position in the protein, it is predicted to be benign by multiple in silico algorithms, and/or has population frequency not consistent with disease.